The following is an entry in ClinVar:

ClinVar aggregate classification (germline): Pathogenic (1 of 4 stars; one submission).

Conditions:
Tuberous sclerosis 2 (TSC2). Identifiers: Orphanet 805, MedGen C1860707, MONDO:0013199, OMIM 613254.

Submission:

Labcorp Genetics (formerly Invitae), Labcorp
Classification: Pathogenic for Tuberous sclerosis 2. Last evaluated: 2022-06-22. Review status: criteria provided, single submitter. Criteria: Invitae Variant Classification Sherloc (09022015). Collection method: clinical testing. Allele origin: germline.
Comment: For these reasons, this variant has been classified as Pathogenic. This variant has not been reported in the literature in individuals affected with TSC2-related conditions. This variant is a gross deletion of the genomic region encompassing exon(s) 10-17 of the TSC2 gene. This deletion is out-of-frame, and is expected to create a premature termination codon and result in an absent or disrupted protein product. Loss-of-function variants in TSC2 are known to be pathogenic (PMID: 10205261, 17304050).

Literature cited by the submitters: PubMed 10205261; PubMed 17304050.

NC_000016.9:g.(?_2108728)_(2120599_?)del

Gene: TSC2 (TSC complex subunit 2; plus strand). Cytogenetic location: 16p13.3.
Variant type: Deletion.
Identifiers: ClinVar variation 2423287 (VCV002423287.4).